The following is an entry in ClinVar:

NM_004655.4(AXIN2):c.827G>A (p.Arg276Lys)

Gene: AXIN2 (axin 2; minus strand). Cytogenetic location: 17q24.1.
Variant type: single nucleotide variant.
Coding change: c.827G>A on transcript NM_004655.4 (MANE Select); coding-DNA position 827, G replaced by A.
Protein change: p.Arg276Lys; replaces arginine 276 with lysine.
Molecular consequence: missense variant.
Genome position (GRCh38, 1-based): chr17:65,549,649, C>T on the plus strand (G>A on the coding strand, the complement: AXIN2 is on the minus strand). VCF-style: chr17-65549649-C-T. GRCh37 (hg19) VCF-style: chr17-63545767-C-T.
Other names: c.827G>A, p.Arg276Lys (NM_001363813.1); short protein forms R276K.
Identifiers: ClinVar variation 2846099 (VCV002846099.3), dbSNP rs1173628990, ClinGen allele CA400679691.
Genomic context (GRCh38, chr17:65,549,649, plus strand): 5'-CTGGTGGCTGGTGCAAAGACATAGCCAGAACCTATGTGATAAGGATTAACAGGATCGCTC[C>T]TCTTGAAGGACCTATGGGCAAAGTACAAAAGTGGTTCAGTCACTGACCCTCACCAGAAAC-3'
Protein context (NP_004646.3, residues 266-286): TVDSGYRSFK[Arg276Lys]SDPVNPYHIG

ClinVar aggregate classification (germline): Uncertain significance (1 of 4 stars; one submission).

Conditions:
Oligodontia-cancer predisposition syndrome. Also called: TOOTH AGENESIS-COLORECTAL CANCER SYNDROME. Identifiers: Orphanet 300576, MedGen C1837750, MONDO:0012075, OMIM 608615. Disease mechanism: loss of function.

Submission:

Labcorp Genetics (formerly Invitae), Labcorp
Classification: Uncertain significance for Oligodontia-cancer predisposition syndrome. Last evaluated: 2023-03-15. Review status: criteria provided, single submitter. Criteria: Invitae Variant Classification Sherloc (09022015). Collection method: clinical testing. Allele origin: germline.
Comment: This variant is not present in population databases (gnomAD no frequency). This sequence change replaces arginine, which is basic and polar, with lysine, which is basic and polar, at codon 276 of the AXIN2 protein (p.Arg276Lys). This variant has not been reported in the literature in individuals affected with AXIN2-related conditions. An algorithm developed to predict the effect of missense changes on protein structure and function (PolyPhen-2) suggests that this variant is likely to be tolerated. In summary, the available evidence is currently insufficient to determine the role of this variant in disease. Therefore, it has been classified as a Variant of Uncertain Significance.